The following is an entry in ClinVar:

ClinVar aggregate classification (germline): Pathogenic. Review status: reviewed by expert panel (3 of 4 stars). 8 submissions from 8 submitters: Pathogenic (1). 7 of the submissions do not count toward it. Last evaluated 2023-04-05.

Conditions:
PALB2-related disorder. Also called: PALB2-related condition; PALB2-related disorders.
Familial cancer of breast. Also called: hereditary breast carcinoma; Hereditary breast cancer; BREAST CANCER, FAMILIAL. Identifiers: Orphanet 227535, MedGen C0346153, MONDO:0016419, OMIM 114480. Disease mechanism: loss of function.
Hereditary cancer-predisposing syndrome. Also called: Neoplastic Syndromes, Hereditary; Hereditary neoplastic syndrome; Hereditary Cancer Syndrome; Tumor predisposition. Identifiers: Orphanet 140162, MedGen C0027672, MeSH D009386, MONDO:0015356.
Malignant tumor of breast. Also called: Malignant breast neoplasm; Cancer breast. Identifiers: MedGen C0006142, MONDO:0007254. Disease mechanism: loss of function.
PALB2-related cancer predisposition. Identifiers: MedGen CN377761, MONDO:0700272.

Submissions (8):

ClinGen Hereditary Breast, Ovarian and Pancreatic Cancer Variant Curation Expert Panel, ClinGen
Classification: Pathogenic for PALB2-related cancer predisposition. Last evaluated: 2023-04-05. Review status: reviewed by expert panel. Criteria: ClinGen HBOP VCEP ACMG Specifications PALB2 V1.0.0. Collection method: curation. Allele origin: germline. Inheritance: Autosomal dominant inheritance.
Comment: The c.514_517del (p.Ser172fs) variant in PALB2 is a frameshift variant predicted to result in nonsense mediated decay in a gene in which loss-of-function is an established disease mechanism. This alteration results in a termination codon upstream of the most C-terminus pathogenic alteration (PALB2 p.Tyr1183*), as classified by the HBOP VCEP, and is expected to be more deleterious. This variant is absent from gnomAD v2.1.1. This variant was found to co-segregate with disease in multiple affected family members in one family (Invitae). In summary, this variant meets criteria to be classified as pathogenic for autosomal dominant hereditary breast and pancreatic cancer and autosomal recessive FANCN based on the ACMG/AMP criteria applied, as specified by the HBOP VCEP. (PVS1, PM5_Supporting, PM2_Supporting, PP1_Moderate)

Ambry Genetics
Classification: Pathogenic for Hereditary cancer-predisposing syndrome. Last evaluated: 2026-09-14. Review status: criteria provided, single submitter. Criteria: Ambry Variant Classification Scheme 2023. Collection method: clinical testing. Allele origin: germline. Not counted in ClinVar's aggregate classification.
Comment: The c.514_517delTCTG pathogenic mutation, located in coding exon 4 of the PALB2 gene, results from a deletion of 4 nucleotides at nucleotide positions 514 to 517, causing a translational frameshift with a predicted alternate stop codon (p.S172Gfs*4). This variant is considered to be rare based on population cohorts in the Genome Aggregation Database (gnomAD). This alteration is expected to result in loss of function by premature protein truncation or nonsense-mediated mRNA decay. As such, this alteration is interpreted as a disease-causing mutation.

Labcorp Genetics (formerly Invitae), Labcorp
Classification: Pathogenic for Familial cancer of breast. Last evaluated: 2025-02-19. Review status: criteria provided, single submitter. Criteria: Invitae Variant Classification Sherloc (09022015). Collection method: clinical testing. Allele origin: germline. Not counted in ClinVar's aggregate classification.
Comment: This sequence change creates a premature translational stop signal (p.Ser172Glyfs*4) in the PALB2 gene. It is expected to result in an absent or disrupted protein product. Loss-of-function variants in PALB2 are known to be pathogenic (PMID: 17200668, 17200671, 17200672, 24136930, 25099575). This variant is not present in population databases (gnomAD no frequency). This variant has not been reported in the literature in individuals affected with PALB2-related conditions. ClinVar contains an entry for this variant (Variation ID: 461007). For these reasons, this variant has been classified as Pathogenic.

Blueprint Genetics
Classification: Pathogenic for PALB2-related disorders. Last evaluated: 2024-06-10. Review status: criteria provided, single submitter. Criteria: ACMG Guidelines, 2015. Collection method: clinical testing. Allele origin: germline. Affected: yes. Observed: 3 variant alleles. Not counted in ClinVar's aggregate classification.

Color Diagnostics, LLC DBA Color Health
Classification: Pathogenic for Hereditary cancer-predisposing syndrome. Last evaluated: 2024-01-23. Review status: criteria provided, single submitter. Criteria: ACMG Guidelines, 2015. Collection method: clinical testing. Allele origin: germline. Not counted in ClinVar's aggregate classification.
Comment: This variant deletes 4 nucleotides in exon 4 of the PALB2 gene, creating a frameshift and premature translation stop signal. This variant is expected to result in an absent or non-functional protein product. A functional study reported that a protein frameshift variant at serine 172 abolished stable protein expression and PALB2 function in a homology-directed repair assay (PMID: 31757951). This variant has been reported in an individual affected with breast cancer (PMID: 26681682) and in a breast cancer case-control study in 1/16501 cases and absent in 5890 unaffected individuals (PMID: 32339256). This variant also has been reported in a prostate cancer case-control study in 1/7636 cases and absent in 12366 unaffected individuals (PMID: 31214711). This variant has not been identified in the general population by the Genome Aggregation Database (gnomAD). Loss of PALB2 function is a known mechanism of disease. Based on the available evidence, this variant is classified as Pathogenic.

Myriad Genetics, Inc.
Classification: Pathogenic for Familial cancer of breast. Last evaluated: 2023-09-06. Review status: criteria provided, single submitter. Criteria: Myriad Autosomal Dominant, Autosomal Recessive and X-Linked Classification Criteria (2023). Collection method: clinical testing. Allele origin: unknown. Not counted in ClinVar's aggregate classification.
Comment: This variant is considered pathogenic. This variant creates a frameshift predicted to result in premature protein truncation.

Baylor Genetics
Classification: Pathogenic for Familial cancer of breast. Last evaluated: 2022-12-23. Review status: criteria provided, single submitter. Criteria: ACMG Guidelines, 2015. Collection method: clinical testing. Allele origin: unknown. Not counted in ClinVar's aggregate classification.

Women's Health and Genetics/Laboratory Corporation of America, LabCorp
Classification: Pathogenic for Malignant tumor of breast. Last evaluated: 2021-02-12. Review status: criteria provided, single submitter. Criteria: LabCorp Variant Classification Summary - May 2015. Collection method: clinical testing. Allele origin: germline. Not counted in ClinVar's aggregate classification.
Comment: Variant summary: PALB2 c.514_517delTCTG (p.Ser172GlyfsX4) results in a premature termination codon, predicted to cause a truncation of the encoded protein or absence of the protein due to nonsense mediated decay, which are commonly known mechanisms for disease. The variant was absent in 251460 control chromosomes (gnomAD). c.514_517delTCTG has been reported in the literature in at least one young patient with HER2-amplified breast cancer, a patient with prostate cancer and a breast cancer patient (Eccles_2016, Momozawa_2020, Zhou_2020). These data indicate that the variant may be associated with disease. In a cell based functional assays, compared to wild-type the variant was found to have a relative HR (homologous recombination) efficiency of 8.55% and in PARPi sensitive assays, a PARPi resistance of 13.87% (Boonen_2019). Two other ClinVar submitters (evaluation after 2014) cite the variant as pathogenic. Based on the evidence outlined above, the variant was classified as pathogenic.

Literature cited by the submitters: PubMed 17200668 (cited by Labcorp Genetics (formerly Invitae), Labcorp); PubMed 17200671 (cited by Labcorp Genetics (formerly Invitae), Labcorp); PubMed 17200672 (cited by Labcorp Genetics (formerly Invitae), Labcorp); PubMed 24136930 (cited by Labcorp Genetics (formerly Invitae), Labcorp); PubMed 25099575 (cited by Labcorp Genetics (formerly Invitae), Labcorp); PubMed 26681682 (cited by Color Diagnostics, LLC DBA Color Health and Women's Health and Genetics/Laboratory Corporation of America, LabCorp); PubMed 31214711 (cited by Color Diagnostics, LLC DBA Color Health and Women's Health and Genetics/Laboratory Corporation of America, LabCorp); PubMed 31757951 (cited by Color Diagnostics, LLC DBA Color Health and Women's Health and Genetics/Laboratory Corporation of America, LabCorp); PubMed 32339256 (cited by Color Diagnostics, LLC DBA Color Health and Women's Health and Genetics/Laboratory Corporation of America, LabCorp).

NM_024675.4(PALB2):c.514_517del (p.Ser172fs)

Gene: PALB2 (partner and localizer of BRCA2; minus strand). Cytogenetic location: 16p12.2.
Variant type: Deletion.
Coding change: c.514_517del on transcript NM_024675.4 (MANE Select); coding-DNA positions 514 to 517, 4 bases deleted (TCTG; older notation c.514_517delTCTG).
Protein change: p.Ser172fs; shifts the reading frame from serine 172.
Molecular consequence: frameshift variant.
Genome position (GRCh38, 1-based): chr16:23,636,029-23,636,032, CAGA deleted on the plus strand (TCTG on the coding strand, the reverse complement: PALB2 is on the minus strand); deleting any 4 consecutive bases within chr16:23,636,029-23,636,034 gives the same sequence; the c. name uses the placement nearest the transcript's 3' end. VCF-style (leftmost placement, unchanged base first): chr16-23636028-CCAGA-C. GRCh37 (hg19) VCF-style: chr16-23647349-CCAGA-C.
Other names: NM_024675.3(PALB2):c.514_517del; p.Ser172fs; c.514_517delTCTG (NM_024675.3); short protein forms S172fs.
Identifiers: ClinVar variation 461007 (VCV000461007.20), dbSNP rs1555461765, ClinGen allele CA658658444.
Genomic context (GRCh38, chr16:23,636,028, plus strand): 5'-GTTACTGGTGATCTAGCAGGATTTTTGCTACTGATTTCTTCCTGTTCCTTTAGTCTTTTC[CCAGA>C]CAATCTGAGTGAATCAGTGCCAAAGACACAGTCTCTCTCCTGTGAAATAAATGTCCTCTT-3'